The following is an entry in ClinVar:

ClinVar aggregate classification (germline): Uncertain significance (1 of 4 stars; one submission).

gnomAD v4.1: 2 of 1,613,780 alleles (0.00012%); highest among the groups gnomAD compares: Non-Finnish European, 0.000085%; no homozygotes.

Submission:

Athena Diagnostics
Classification: Uncertain significance. Last evaluated: 2025-05-13. Review status: criteria provided, single submitter. Criteria: Athena Diagnostics Criteria. Collection method: clinical testing. Allele origin: unknown.
Comment: Available data are insufficient to determine the clinical significance of the variant at this time. This variant has not been reported in large, multi-ethnic general populations. Computational tools yielded predictions that this variant is unlikely to have an effect on normal RNA splicing.

NM_020247.5(COQ8A):c.138G>A (p.Thr46=)

Gene: COQ8A (coenzyme Q8A; plus strand). Cytogenetic location: 1q42.13.
Variant type: single nucleotide variant.
Coding change: c.138G>A on transcript NM_020247.5 (MANE Select); coding-DNA position 138, G replaced by A.
Protein change: p.Thr46=; no amino-acid change (threonine 46 retained).
Molecular consequence: synonymous variant.
Genome position (GRCh38, 1-based): chr1:226,961,523, G>A. VCF-style: chr1-226961523-G-A. GRCh37 (hg19) VCF-style: chr1-227149224-G-A.
Identifiers: ClinVar variation 4682321 (VCV004682321.1).